The following is an entry in ClinVar:

ClinVar aggregate classification (germline): Uncertain significance (1 of 4 stars; one submission).

Conditions:
Familial thoracic aortic aneurysm and aortic dissection (TAAD). Also called: Thoracic aortic aneurysms and dissections. Identifiers: Orphanet 91387, MedGen C4707243, MONDO:0019625.

Submission:

Ambry Genetics
Classification: Uncertain significance for Familial thoracic aortic aneurysm and aortic dissection. Last evaluated: 2023-11-30. Review status: criteria provided, single submitter. Criteria: Ambry Variant Classification Scheme 2023. Collection method: clinical testing. Allele origin: germline.
Comment: The p.G157R variant (also known as c.469G>C), located in coding exon 4 of the MYLK gene, results from a G to C substitution at nucleotide position 469. The glycine at codon 157 is replaced by arginine, an amino acid with dissimilar properties. This amino acid position is conserved. In addition, this alteration is predicted to be tolerated by in silico analysis. Since supporting evidence is limited at this time, the clinical significance of this alteration remains unclear.

NM_053025.4(MYLK):c.469G>C (p.Gly157Arg)

Gene: MYLK (myosin light chain kinase; minus strand). Cytogenetic location: 3q21.1.
Variant type: single nucleotide variant.
Coding change: c.469G>C on transcript NM_053025.4 (MANE Select); coding-DNA position 469, G replaced by C.
Protein change: p.Gly157Arg; replaces glycine 157 with arginine.
Molecular consequence: missense variant. On other transcripts: 5 prime UTR variant (1).
Genome position (GRCh38, 1-based): chr3:123,739,016, C>G on the plus strand (G>C on the coding strand, the complement: MYLK is on the minus strand). VCF-style: chr3-123739016-C-G. GRCh37 (hg19) VCF-style: chr3-123457863-C-G.
Other names: c.-60G>C (NM_001321309.2); c.469G>C, p.Gly157Arg (NM_053026.4, NM_053027.4, NM_053028.4); short protein forms G157R.
Identifiers: ClinVar variation 3228921 (VCV003228921.1), dbSNP rs900244669, ClinGen allele CA354241983.